The following is an entry in ClinVar:

ClinVar aggregate classification (germline): Uncertain significance. Review status: criteria provided, multiple submitters, no conflicts (2 of 4 stars). 2 submissions from 2 submitters: Uncertain significance (2). Last evaluated 2024-02-17.

Conditions:
Neutral 1 amino acid transport defect (HND). Also called: Hartnup disease; HARTNUP DISORDER. Identifiers: Orphanet 2116, MedGen C0018609, MONDO:0009324, OMIM 234500.
Iminoglycinuria. Identifiers: Orphanet 42062, MedGen C0268654, MONDO:0009448, OMIM 242600.
Hyperglycinuria. Also called: IMINOGLYCINURIA TYPE II; GLYCINURIA WITH OR WITHOUT OXALATE NEPHROLITHIASIS; GLYCINURIA WITH OR WITHOUT OXALATE UROLITHIASIS. Identifiers: MedGen C0543541, MONDO:0007677, OMIM 138500, HP:0003108.

Allele frequency attached by ClinVar (database versions not stated): TOPMed 0.00005; gnomAD 0.00006; ESP Exome Variant Server 0.00023.
gnomAD v4.1: 47 of 1,614,022 alleles (0.0029%); highest among the groups gnomAD compares: African/African-American, 0.012%; no homozygotes.

Submissions (2):

Labcorp Genetics (formerly Invitae), Labcorp
Classification: Uncertain significance. Last evaluated: 2024-02-17. Review status: criteria provided, single submitter. Criteria: Invitae Variant Classification Sherloc (09022015). Collection method: clinical testing. Allele origin: germline.
Comment: This sequence change replaces arginine, which is basic and polar, with cysteine, which is neutral and slightly polar, at codon 535 of the SLC6A19 protein (p.Arg535Cys). This variant is present in population databases (rs370093464, gnomAD 0.01%). This variant has not been reported in the literature in individuals affected with SLC6A19-related conditions. ClinVar contains an entry for this variant (Variation ID: 973458). Advanced modeling of protein sequence and biophysical properties (such as structural, functional, and spatial information, amino acid conservation, physicochemical variation, residue mobility, and thermodynamic stability) performed at Invitae indicates that this missense variant is not expected to disrupt SLC6A19 protein function with a negative predictive value of 80%. In summary, the available evidence is currently insufficient to determine the role of this variant in disease. Therefore, it has been classified as a Variant of Uncertain Significance.

Elsea Laboratory, Baylor College of Medicine
Classification: Uncertain significance for Neutral 1 amino acid transport defect; Hyperglycinuria; Iminoglycinuria. Last evaluated: 2020-04-01. Review status: criteria provided, single submitter. Criteria: ACMG Guidelines, 2015. Collection method: clinical testing. Allele origin: germline. Affected: no.

NM_001003841.3(SLC6A19):c.1603C>T (p.Arg535Cys)

Gene: SLC6A19 (solute carrier family 6 member 19; plus strand). Cytogenetic location: 5p15.33.
Variant type: single nucleotide variant.
Coding change: c.1603C>T on transcript NM_001003841.3 (MANE Select); coding-DNA position 1603, C replaced by T.
Protein change: p.Arg535Cys; replaces arginine 535 with cysteine.
Molecular consequence: missense variant.
Genome position (GRCh38, 1-based): chr5:1,221,215, C>T. VCF-style: chr5-1221215-C-T. GRCh37 (hg19) VCF-style: chr5-1221330-C-T.
Other names: short protein forms R535C.
Identifiers: ClinVar variation 973458 (VCV000973458.5), dbSNP rs370093464, ClinGen allele CA3183239.